The following is an entry in ClinVar:

ClinVar aggregate classification (germline): Uncertain significance. Review status: reviewed by expert panel (3 of 4 stars). 2 submissions from 2 submitters: Uncertain significance (1). 1 of the submissions does not count toward it. Last evaluated 2024-10-29.

Conditions:
Hereditary thrombocytopenia and hematological cancer predisposition syndrome associated with RUNX1. Also called: Familial Platelet Disorder with Propensity to Acute Myelogenous Leukemia; Familial thrombocytopenia with propensity to acute myelogenous leukemia; PLATELET DISORDER, ASPIRIN-LIKE; RUNX1 Familial Platelet Disorder with Associated Myeloid Malignancies. Identifiers: Orphanet 71290, MedGen C1832388, MeSH C563324, MONDO:0100083, OMIM 601399.
Hereditary thrombocytopenia and hematologic cancer predisposition syndrome. Identifiers: Orphanet 71290, MedGen CN281654, MONDO:0011071.

Submissions (2):

ClinGen Myeloid Malignancy Variant Curation Expert Panel
Classification: Uncertain significance for Hereditary thrombocytopenia and hematologic cancer predisposition syndrome. Last evaluated: 2024-10-29. Review status: reviewed by expert panel. Criteria: ClinGen MyeloMalig ACMG Specifications v2. Collection method: curation. Allele origin: germline. Inheritance: Autosomal dominant inheritance.
Comment: NM_001754.5(RUNX1):c.664T>C (p.Ser222Pro) is a missense variant which is completely absent from all population databases with at least 20x coverage for RUNX1 (PM2_Supporting). In summary, the clinical significance of this variant is uncertain. ACMG/AMP criteria applied, as specified by the Myeloid Malignancy Variant Curation Expert Panel for RUNX1: PM2_supporting.

Labcorp Genetics (formerly Invitae), Labcorp
Classification: Uncertain significance for Hereditary thrombocytopenia and hematological cancer predisposition syndrome associated with RUNX1. Last evaluated: 2022-10-18. Review status: criteria provided, single submitter. Criteria: Invitae Variant Classification Sherloc (09022015). Collection method: clinical testing. Allele origin: germline. Not counted in ClinVar's aggregate classification.
Comment: This variant is not present in population databases (gnomAD no frequency). In summary, the available evidence is currently insufficient to determine the role of this variant in disease. Therefore, it has been classified as a Variant of Uncertain Significance. Advanced modeling of protein sequence and biophysical properties (such as structural, functional, and spatial information, amino acid conservation, physicochemical variation, residue mobility, and thermodynamic stability) performed at Invitae indicates that this missense variant is not expected to disrupt RUNX1 protein function. This variant has not been reported in the literature in individuals affected with RUNX1-related conditions. This sequence change replaces serine, which is neutral and polar, with proline, which is neutral and non-polar, at codon 222 of the RUNX1 protein (p.Ser222Pro).

NM_001754.5(RUNX1):c.664T>C (p.Ser222Pro)

Gene: RUNX1 (RUNX family transcription factor 1; minus strand). Cytogenetic location: 21q22.12.
Variant type: single nucleotide variant.
Coding change: c.664T>C on transcript NM_001754.5 (MANE Select); coding-DNA position 664, T replaced by C.
Protein change: p.Ser222Pro; replaces serine 222 with proline.
Molecular consequence: missense variant.
Genome position (GRCh38, 1-based): chr21:34,834,551, A>G on the plus strand (T>C on the coding strand, the complement: RUNX1 is on the minus strand). VCF-style: chr21-34834551-A-G. GRCh37 (hg19) VCF-style: chr21-36206848-A-G.
Other names: NM_001754.5(RUNX1):c.664T>C; p.Ser222Pro; c.583T>C, p.Ser195Pro (NM_001001890.3, NM_001122607.2); short protein forms S195P, S222P.
Identifiers: ClinVar variation 2001601 (VCV002001601.5), dbSNP rs2517041230, ClinGen allele CA410206974.